The following is an entry in ClinVar:

ClinVar aggregate classification (germline): Uncertain significance (1 of 4 stars; one submission).

Conditions:
EGFR-related lung cancer (EGFR). Identifiers: MedGen CN130014.

Allele frequency attached by ClinVar (database versions not stated): gnomAD exomes below 0.00001.
gnomAD v4.1: 1 of 1,614,156 alleles (0.000062%); highest among the groups gnomAD compares: Non-Finnish European, 0.000085%; no homozygotes.

Submission:

Labcorp Genetics (formerly Invitae), Labcorp
Classification: Uncertain significance for EGFR-related lung cancer. Last evaluated: 2022-06-08. Review status: criteria provided, single submitter. Criteria: Invitae Variant Classification Sherloc (09022015). Collection method: clinical testing. Allele origin: germline.
Comment: This sequence change replaces aspartic acid, which is acidic and polar, with asparagine, which is neutral and polar, at codon 256 of the EGFR protein (p.Asp256Asn). In summary, the available evidence is currently insufficient to determine the role of this variant in disease. Therefore, it has been classified as a Variant of Uncertain Significance. Algorithms developed to predict the effect of missense changes on protein structure and function are either unavailable or do not agree on the potential impact of this missense change (SIFT: "Tolerated"; PolyPhen-2: "Probably Damaging"; Align-GVGD: "Class C0"). This variant has not been reported in the literature in individuals affected with EGFR-related conditions. This variant is not present in population databases (gnomAD no frequency).

NM_005228.5(EGFR):c.766G>A (p.Asp256Asn)

Gene: EGFR (epidermal growth factor receptor; plus strand). Cytogenetic location: 7p11.2.
Variant type: single nucleotide variant.
Coding change: c.766G>A on transcript NM_005228.5 (MANE Select); coding-DNA position 766, G replaced by A.
Protein change: p.Asp256Asn; replaces aspartic acid 256 with asparagine.
Molecular consequence: missense variant. On other transcripts: intron variant (1).
Genome position (GRCh38, 1-based): chr7:55,154,029, G>A. VCF-style: chr7-55154029-G-A. GRCh37 (hg19) VCF-style: chr7-55221722-G-A.
Other names: c.631G>A, p.Asp211Asn (NM_001346897.2, NM_001346899.2); c.766G>A, p.Asp256Asn (NM_001346898.2, NM_201282.2, NM_201283.2 and 1 more transcripts); c.607G>A, p.Asp203Asn (NM_001346900.2); c.89-1801G>A (NM_001346941.2); short protein forms D211N, D203N, D256N.
Identifiers: ClinVar variation 2003163 (VCV002003163.4), dbSNP rs2128934871, ClinGen allele CA367577622.
Genomic context (GRCh38, chr7:55,154,029, plus strand): 5'-GTACTTACCTCACTTGCCCAGCGTGTCCTCTCTCCTCCATAGGTCTGCCGCAAATTCCGA[G>A]ACGAAGCCACGTGCAAGGACACCTGCCCCCCACTCATGCTCTACAACCCCACCACGTACC-3'
Protein context (NP_005219.2, residues 246-266): SDCLVCRKFR[Asp256Asn]EATCKDTCPP